The following is an entry in ClinVar:

NM_014908.4(DOLK):c.409C>T (p.Pro137Ser)

Gene: DOLK (dolichol kinase; minus strand). Cytogenetic location: 9q34.11.
Variant type: single nucleotide variant.
Coding change: c.409C>T on transcript NM_014908.4 (MANE Select); coding-DNA position 409, C replaced by T.
Protein change: p.Pro137Ser; replaces proline 137 with serine.
Molecular consequence: missense variant.
Genome position (GRCh38, 1-based): chr9:128,946,895, G>A on the plus strand (C>T on the coding strand, the complement: DOLK is on the minus strand). VCF-style: chr9-128946895-G-A. GRCh37 (hg19) VCF-style: chr9-131709174-G-A.
Other names: short protein forms P137S.
Identifiers: ClinVar variation 1384400 (VCV001384400.6), dbSNP rs2131128759, ClinGen allele CA375125743.

ClinVar aggregate classification (germline): Uncertain significance (1 of 4 stars; one submission).

Conditions:
DK1-congenital disorder of glycosylation. Also called: CONGENITAL DISORDER OF GLYCOSYLATION, TYPE Im; DK1-CDG; DOLK-congenital disorder of glycosylation; Carbohydrate deficient glycoprotein syndrome type 1m; CDG Im; DK1 DEFICIENCY. Identifiers: Orphanet 91131, MedGen C1835849, MONDO:0012556, OMIM 610768.

Submission:

Labcorp Genetics (formerly Invitae), Labcorp
Classification: Uncertain significance for DK1-congenital disorder of glycosylation. Last evaluated: 2021-10-04. Review status: criteria provided, single submitter. Criteria: Invitae Variant Classification Sherloc (09022015). Collection method: clinical testing. Allele origin: germline.
Comment: This variant has not been reported in the literature in individuals affected with DOLK-related conditions. This variant is not present in population databases (ExAC no frequency). This sequence change replaces proline with serine at codon 137 of the DOLK protein (p.Pro137Ser). The proline residue is highly conserved and there is a moderate physicochemical difference between proline and serine. In summary, the available evidence is currently insufficient to determine the role of this variant in disease. Therefore, it has been classified as a Variant of Uncertain Significance. Algorithms developed to predict the effect of missense changes on protein structure and function are either unavailable or do not agree on the potential impact of this missense change (SIFT: "Deleterious"; PolyPhen-2: "Probably Damaging"; Align-GVGD: "Class C0").